The following is an entry in ClinVar:

NM_001367624.2(ZNF469):c.8573C>T (p.Ser2858Phe)

Gene: ZNF469 (zinc finger protein 469; plus strand). Cytogenetic location: 16q24.2.
Variant type: single nucleotide variant.
Coding change: c.8573C>T on transcript NM_001367624.2 (MANE Select); coding-DNA position 8573, C replaced by T.
Protein change: p.Ser2858Phe; replaces serine 2858 with phenylalanine.
Molecular consequence: missense variant.
Genome position (GRCh38, 1-based): chr16:88,436,043, C>T. VCF-style: chr16-88436043-C-T. GRCh37 (hg19) VCF-style: chr16-88502451-C-T.
Other names: NM_001127464.1:c.8489C>T; short protein forms S2858F.
Identifiers: ClinVar variation 1362053 (VCV001362053.5), dbSNP rs975435621, ClinGen allele CA397118668.

ClinVar aggregate classification (germline): Uncertain significance. Review status: criteria provided, multiple submitters, no conflicts (2 of 4 stars). 2 submissions from 2 submitters: Uncertain significance (2). Last evaluated 2025-04-15.

Conditions:
Cardiovascular phenotype. Identifiers: MedGen CN230736.

gnomAD v4.1: 13 of 1,550,330 alleles (0.00084%); highest among the groups gnomAD compares: Non-Finnish European, 0.0011%; no homozygotes.

Submissions (2):

Ambry Genetics
Classification: Uncertain significance for Cardiovascular phenotype. Last evaluated: 2025-04-15. Review status: criteria provided, single submitter. Criteria: Ambry Variant Classification Scheme 2023. Collection method: clinical testing. Allele origin: germline.

Labcorp Genetics (formerly Invitae), Labcorp
Classification: Uncertain significance. Last evaluated: 2022-07-05. Review status: criteria provided, single submitter. Criteria: Invitae Variant Classification Sherloc (09022015). Collection method: clinical testing. Allele origin: germline.
Comment: This sequence change replaces serine, which is neutral and polar, with phenylalanine, which is neutral and non-polar, at codon 2830 of the ZNF469 protein (p.Ser2830Phe). This variant is not present in population databases (gnomAD no frequency). This variant has not been reported in the literature in individuals affected with ZNF469-related conditions. ClinVar contains an entry for this variant (Variation ID: 1362053). Algorithms developed to predict the effect of missense changes on protein structure and function are either unavailable or do not agree on the potential impact of this missense change (SIFT: "Deleterious"; PolyPhen-2: "Probably Damaging"; Align-GVGD: "Class C0"). In summary, the available evidence is currently insufficient to determine the role of this variant in disease. Therefore, it has been classified as a Variant of Uncertain Significance.